The following is an entry in ClinVar:

ClinVar aggregate classification (germline): Conflicting classifications of pathogenicity. Review status: criteria provided, conflicting classifications (1 of 4 stars). 2 submissions from 2 submitters: Likely pathogenic (1); Uncertain significance (1). Last evaluated 2026-08-17.

Conditions:
Familial hypocalciuric hypercalcemia 1. Also called: Hypercalcemia, familial benign type 1. Identifiers: Orphanet 405, Orphanet 93372, MedGen C0342637, MONDO:0007791, OMIM 145980.
Familial hypocalciuric hypercalcemia (FHH). Also called: Familial benign hypercalcemia. Identifiers: Orphanet 405, MedGen C1809471, MONDO:0018458.
Autosomal dominant hypocalcemia 1 (HYPOC1). Also called: HYPOCALCEMIA, FAMILIAL. Identifiers: MedGen C3715128, MONDO:0011013, OMIM 601198.

Submissions (2):

Department of Human Genetics, University Hospital Bern, Inselspital
Classification: Likely pathogenic for Familial hypocalciuric hypercalcemia 1. Last evaluated: 2026-08-17. Review status: criteria provided, single submitter. Criteria: ACMG Guidelines, 2015. Collection method: clinical testing. Allele origin: germline. Affected: yes. Observed: 1 variant allele.
Comment: The missense variant c.545C>G p.(Ser182Cys) in CASR is not listed in gnomAD v4.1. It was reported in th literature once in an asymptomatic patient wih hypercalcemia (Healy et al., 2019, Endocrine Abstracts). The affected amino acid residue is highly conserved and REVEL predicts this variant to be pathogenic.

Labcorp Genetics (formerly Invitae), Labcorp
Classification: Uncertain significance for Familial hypocalciuric hypercalcemia; Autosomal dominant hypocalcemia 1. Last evaluated: 2022-05-05. Review status: criteria provided, single submitter. Criteria: Invitae Variant Classification Sherloc (09022015). Collection method: clinical testing. Allele origin: germline.
Comment: In summary, the available evidence is currently insufficient to determine the role of this variant in disease. Therefore, it has been classified as a Variant of Uncertain Significance. Algorithms developed to predict the effect of missense changes on protein structure and function (SIFT, PolyPhen-2, Align-GVGD) all suggest that this variant is likely to be disruptive. This variant has not been reported in the literature in individuals affected with CASR-related conditions. This variant is not present in population databases (gnomAD no frequency). This sequence change replaces serine, which is neutral and polar, with cysteine, which is neutral and slightly polar, at codon 182 of the CASR protein (p.Ser182Cys).

Literature cited by the submitters: DOI 10.1530/endoabs.65.OC3.5 (cited by Department of Human Genetics, University Hospital Bern, Inselspital).

NM_000388.4(CASR):c.545C>G (p.Ser182Cys)

Gene: CASR (calcium sensing receptor; plus strand). Cytogenetic location: 3q21.1.
Variant type: single nucleotide variant.
Coding change: c.545C>G on transcript NM_000388.4 (MANE Select); coding-DNA position 545, C replaced by G.
Protein change: p.Ser182Cys; replaces serine 182 with cysteine.
Molecular consequence: missense variant.
Genome position (GRCh38, 1-based): chr3:122,261,580, C>G. VCF-style: chr3-122261580-C-G. GRCh37 (hg19) VCF-style: chr3-121980427-C-G.
Other names: c.545C>G, p.Ser182Cys (NM_001178065.2); short protein forms S182C.
Identifiers: ClinVar variation 2133961 (VCV002133961.5), dbSNP rs1576857952, ClinGen allele CA354150820.
Genomic context (GRCh38, chr3:122,261,580, plus strand): 5'-CTCTCCAGGTCAGTTATGCCTCCTCCAGCAGACTCCTCAGCAACAAGAATCAATTCAAGT[C>G]TTTCCTCCGAACCATCCCCAATGATGAGCACCAGGCCACTGCCATGGCAGACATCATCGA-3'
Protein context (NP_000379.3, residues 172-192): RLLSNKNQFK[Ser182Cys]FLRTIPNDEH